The following is an entry in ClinVar:

ClinVar aggregate classification (germline): Pathogenic (1 of 4 stars; one submission).

Submission:

Baylor Genetics
Classification: Pathogenic. Last evaluated: 2018-11-01. Review status: criteria provided, single submitter. Criteria: ACMG CNV Guidelines, 2011. Collection method: clinical testing. Allele origin: de novo. Observed: 1 variant allele.

GRCh37/hg19 1q43-44(chr1:242150334-246518362)

Genes: ADSS2 (adenylosuccinate synthase 2; minus strand), AKT3 (AKT serine/threonine kinase 3; minus strand), CATSPERE (catsper channel auxiliary subunit epsilon; plus strand), CEP170 (centrosomal protein 170; minus strand), COX20 (cytochrome c oxidase assembly factor COX20; plus strand) and 10 more. Cytogenetic location: 1q43-44.
Variant type: copy number loss.
Identifiers: ClinVar variation 625615 (VCV000625615.1).